The following is an entry in ClinVar:

NM_000127.3(EXT1):c.487dup (p.Arg163fs)

Gene: EXT1 (exostosin glycosyltransferase 1; minus strand). Cytogenetic location: 8q24.11.
Variant type: Duplication.
Coding change: c.487dup on transcript NM_000127.3 (MANE Select); coding-DNA position 487, one base duplicated (A; older notation c.487dupA).
Protein change: p.Arg163fs; shifts the reading frame from arginine 163.
Molecular consequence: frameshift variant.
Genome position (GRCh38, 1-based): chr8:118,110,560, T duplicated on the plus strand (A on the coding strand, the reverse complement: EXT1 is on the minus strand). VCF-style (leftmost placement, unchanged base first): chr8-118110559-C-CT. GRCh37 (hg19) VCF-style: chr8-119122798-C-CT.
Other names: short protein forms R163fs.
Identifiers: ClinVar variation 934806 (VCV000934806.7), dbSNP rs1817879250, ClinGen allele CA1139660751.

ClinVar aggregate classification (germline): Pathogenic (1 of 4 stars; one submission).

Conditions:
Multiple congenital exostosis (EXT). Also called: Multiple exostoses; Hereditary multiple exostoses; Hereditary multiple exostosis; Hereditary multiple osteochondromas; MULTIPLE CARTILAGINOUS EXOSTOSES; Multiple osteochondromas. Identifiers: Orphanet 321, MedGen C0015306, MONDO:0005508, HP:0002762.

Submission:

Labcorp Genetics (formerly Invitae), Labcorp
Classification: Pathogenic for Multiple congenital exostosis. Last evaluated: 2019-08-30. Review status: criteria provided, single submitter. Criteria: Invitae Variant Classification Sherloc (09022015). Collection method: clinical testing. Allele origin: germline.
Comment: This variant has not been reported in the literature in individuals with EXT1-related conditions. For these reasons, this variant has been classified as Pathogenic. Loss-of-function variants in EXT1 are known to be pathogenic (PMID: 10679937, 11391482, 19810120). This variant is not present in population databases (ExAC no frequency). This sequence change creates a premature translational stop signal (p.Arg163Lysfs*26) in the EXT1 gene. It is expected to result in an absent or disrupted protein product.

Literature cited by the submitters: PubMed 10679937; PubMed 11391482; PubMed 19810120.